The following is an entry in ClinVar:

ClinVar aggregate classification (germline): Uncertain significance. Review status: reviewed by expert panel (3 of 4 stars). 2 submissions from 2 submitters: Uncertain significance (1). 1 of the submissions does not count toward it. Last evaluated 2026-01-12.

Conditions:
RYR1-related disorder. Also called: RYR1-related condition; RYR1-related disorders. Identifiers: MedGen CN239331.
RYR1-related myopathy. Identifiers: Orphanet 98742, MedGen CN305348, MONDO:0100150.

gnomAD v4.1: 1 of 1,612,184 alleles (0.000062%); highest among the groups gnomAD compares: Non-Finnish European, 0.000085%; no homozygotes.

Submissions (2):

ClinGen Congenital Myopathies Variant Curation Expert Panel, ClinGen
Classification: Uncertain significance for RYR1-related myopathy. Last evaluated: 2026-01-12. Review status: reviewed by expert panel. Criteria: ClinGen CongenMyopathy ACMG Specifications RYR1 AD V2.0.0. Collection method: curation. Allele origin: germline. Inheritance: Autosomal dominant inheritance.
Comment: The NM_000540.3(RYR1):c.7679C>G (p.Pro2560Arg) variant in RYR1 is a missense variant predicted to cause substitution of proline by arginine at amino acid 2560. The highest minor allele frequency in gnomAD v4.1.0 is 8.48 * 10^-7 (1/1179900 alleles) in the European (non-Finnish) population (PM2_supporting). The computational predictor REVEL gives a score of 0.689, which is neither above nor below the thresholds predicting a damaging or benign impact on RYR1 function (no codes met). In summary, this variant meets the criteria to be classified as a variant of uncertain significance for autosomal dominant RYR1-related myopathy based on the ACMG/AMP criteria applied, as specified by the ClinGen Congenital Myopathies VCEP: PM2_Supporting, PS4_Supporting (VCEP Specifications Version 2).

Labcorp Genetics (formerly Invitae), Labcorp
Classification: Uncertain significance for RYR1-related disorder. Last evaluated: 2021-05-31. Review status: criteria provided, single submitter. Criteria: Invitae Variant Classification Sherloc (09022015). Collection method: clinical testing. Allele origin: germline. Not counted in ClinVar's aggregate classification.
Comment: In summary, the available evidence is currently insufficient to determine the role of this variant in disease. Therefore, it has been classified as a Variant of Uncertain Significance. Advanced modeling of protein sequence and biophysical properties (such as structural, functional, and spatial information, amino acid conservation, physicochemical variation, residue mobility, and thermodynamic stability) performed at Invitae indicates that this missense variant is expected to disrupt RYR1 protein function. This variant has not been reported in the literature in individuals with RYR1-related conditions. This variant is not present in population databases (ExAC no frequency). This sequence change replaces proline with arginine at codon 2560 of the RYR1 protein (p.Pro2560Arg). The proline residue is moderately conserved and there is a moderate physicochemical difference between proline and arginine.

NM_000540.3(RYR1):c.7679C>G (p.Pro2560Arg)

Gene: RYR1 (ryanodine receptor 1; plus strand). Cytogenetic location: 19q13.2.
Variant type: single nucleotide variant.
Coding change: c.7679C>G on transcript NM_000540.3 (MANE Select); coding-DNA position 7679, C replaced by G.
Protein change: p.Pro2560Arg; replaces proline 2560 with arginine.
Molecular consequence: missense variant.
Genome position (GRCh38, 1-based): chr19:38,502,571, C>G. VCF-style: chr19-38502571-C-G. GRCh37 (hg19) VCF-style: chr19-38993211-C-G.
Other names: NM_000540.3(RYR1):c.7679C>G; p.Pro2560Arg; c.7679C>G, p.Pro2560Arg (NM_001042723.2); short protein forms P2560R.
Identifiers: ClinVar variation 1005573 (VCV001005573.9), dbSNP rs1164159550, ClinGen allele CA405671583.